The following is an entry in ClinVar:

ClinVar aggregate classification (germline): Uncertain significance. Review status: criteria provided, multiple submitters, no conflicts (2 of 4 stars). 4 submissions from 4 submitters: Uncertain significance (3). 1 of the submissions does not count toward it. Last evaluated 2025-01-10.

Conditions:
Fanconi anemia complementation group A (FANCA). Also called: Fanconi anemia, group A; FANCA-Related Fanconi Anemia. Identifiers: Orphanet 84, MedGen C3469521, MONDO:0009215, OMIM 227650.
Inborn genetic diseases. Identifiers: MedGen C0950123, MeSH D030342.
Fanconi anemia (FA). Also called: Fanconi's anemia. Identifiers: Orphanet 84, MedGen C0015625, MeSH D005199, MONDO:0019391.

Allele frequency attached by ClinVar (database versions not stated): gnomAD 0.00001; gnomAD exomes 0.00002.
gnomAD v4.1: 10 of 1,614,074 alleles (0.00062%); highest among the groups gnomAD compares: East Asian, 0.022%; no homozygotes.

Submissions (4):

Ambry Genetics
Classification: Uncertain significance for Inborn genetic diseases. Last evaluated: 2025-01-10. Review status: criteria provided, single submitter. Criteria: Ambry Variant Classification Scheme 2023. Collection method: clinical testing. Allele origin: germline.
Comment: The p.A469V variant (also known as c.1406C>T), located in coding exon 15 of the FANCA gene, results from a C to T substitution at nucleotide position 1406. The alanine at codon 469 is replaced by valine, an amino acid with similar properties. This amino acid position is conserved. In addition, the in silico prediction for this alteration is inconclusive. Based on the available evidence, the clinical significance of this variant remains unclear.

Fulgent Genetics
Classification: Uncertain significance for Fanconi anemia complementation group A. Last evaluated: 2022-02-08. Review status: criteria provided, single submitter. Criteria: ACMG Guidelines, 2015. Collection method: clinical testing. Allele origin: unknown.

Labcorp Genetics (formerly Invitae), Labcorp
Classification: Uncertain significance for Fanconi anemia. Last evaluated: 2021-09-01. Review status: criteria provided, single submitter. Criteria: Invitae Variant Classification Sherloc (09022015). Collection method: clinical testing. Allele origin: germline.
Comment: This sequence change replaces alanine with valine at codon 469 of the FANCA protein (p.Ala469Val). The alanine residue is weakly conserved and there is a small physicochemical difference between alanine and valine. This variant is not present in population databases (ExAC no frequency). This variant has not been reported in the literature in individuals affected with FANCA-related conditions. Algorithms developed to predict the effect of missense changes on protein structure and function are either unavailable or do not agree on the potential impact of this missense change (SIFT: "Deleterious"; PolyPhen-2: "Possibly Damaging"; Align-GVGD: "Class C0"). In summary, the available evidence is currently insufficient to determine the role of this variant in disease. Therefore, it has been classified as a Variant of Uncertain Significance.

Natera, Inc.
Classification: Uncertain significance for Fanconi anemia. Last evaluated: 2021-03-22. Review status: no assertion criteria provided. Collection method: clinical testing. Allele origin: germline. Not counted in ClinVar's aggregate classification.

NM_000135.4(FANCA):c.1406C>T (p.Ala469Val)

Gene: FANCA (FA complementation group A; minus strand). Cytogenetic location: 16q24.3.
Variant type: single nucleotide variant.
Coding change: c.1406C>T on transcript NM_000135.4 (MANE Select); coding-DNA position 1406, C replaced by T.
Protein change: p.Ala469Val; replaces alanine 469 with valine.
Molecular consequence: missense variant.
Genome position (GRCh38, 1-based): chr16:89,784,918, G>A on the plus strand (C>T on the coding strand, the complement: FANCA is on the minus strand). VCF-style: chr16-89784918-G-A. GRCh37 (hg19) VCF-style: chr16-89851326-G-A.
Other names: c.1406C>T, p.Ala469Val (NM_001286167.3); c.1406C>T (NM_000135.2); short protein forms A469V.
Identifiers: ClinVar variation 1024112 (VCV001024112.11), dbSNP rs2039846606, ClinGen allele CA397459962.